The following is an entry in ClinVar:

ClinVar aggregate classification (germline): Uncertain significance. Review status: criteria provided, multiple submitters, no conflicts (2 of 4 stars). 2 submissions from 2 submitters: Uncertain significance (2). Last evaluated 2025-09-25.

Conditions:
Ataxia-telangiectasia syndrome (AT). Also called: ATAXIA-TELANGIECTASIA, COMPLEMENTATION GROUP A; ATAXIA-TELANGIECTASIA, FRESNO VARIANT; Ataxia-telangiectasia; Ataxia telangiectasia (A-T); Ataxia-telangiectasia, complementation group D; AT, COMPLEMENTATION GROUP C. Identifiers: Orphanet 100, MedGen C0004135, MONDO:0008840, OMIM 208900.
Hereditary cancer-predisposing syndrome. Also called: Neoplastic Syndromes, Hereditary; Tumor predisposition; Hereditary Cancer Syndrome; Hereditary neoplastic syndrome. Identifiers: Orphanet 140162, MedGen C0027672, MeSH D009386, MONDO:0015356.

gnomAD v4.1: 1 of 1,613,894 alleles (0.000062%); highest among the groups gnomAD compares: Non-Finnish European, 0.000085%; no homozygotes.

Submissions (2):

Labcorp Genetics (formerly Invitae), Labcorp
Classification: Uncertain significance for Ataxia-telangiectasia syndrome. Last evaluated: 2025-09-25. Review status: criteria provided, single submitter. Criteria: Invitae Variant Classification Sherloc (09022015). Collection method: clinical testing. Allele origin: germline.
Comment: This sequence change replaces leucine, which is neutral and non-polar, with phenylalanine, which is neutral and non-polar, at codon 961 of the ATM protein (p.Leu961Phe). This variant is not present in population databases (gnomAD no frequency). This variant has not been reported in the literature in individuals affected with ATM-related conditions. Invitae Evidence Modeling of protein sequence and biophysical properties (such as structural, functional, and spatial information, amino acid conservation, physicochemical variation, residue mobility, and thermodynamic stability) indicates that this missense variant is not expected to disrupt ATM protein function with a negative predictive value of 95%. In summary, the available evidence is currently insufficient to determine the role of this variant in disease. Therefore, it has been classified as a Variant of Uncertain Significance.

Ambry Genetics
Classification: Uncertain significance for Hereditary cancer-predisposing syndrome. Last evaluated: 2025-09-10. Review status: criteria provided, single submitter. Criteria: Ambry Variant Classification Scheme 2023. Collection method: clinical testing. Allele origin: germline.
Comment: The p.L961F variant (also known as c.2883G>C), located in coding exon 18 of the ATM gene, results from a G to C substitution at nucleotide position 2883. The leucine at codon 961 is replaced by phenylalanine, an amino acid with highly similar properties. This amino acid position is conserved. In addition, the in silico prediction for this alteration is inconclusive. Based on the available evidence, the clinical significance of this variant remains unclear.

NM_000051.4(ATM):c.2883G>C (p.Leu961Phe)

Gene: ATM (ATM serine/threonine kinase; plus strand). Cytogenetic location: 11q22.3.
Variant type: single nucleotide variant.
Coding change: c.2883G>C on transcript NM_000051.4 (MANE Select); coding-DNA position 2883, G replaced by C.
Protein change: p.Leu961Phe; replaces leucine 961 with phenylalanine.
Molecular consequence: missense variant.
Genome position (GRCh38, 1-based): chr11:108,271,108, G>C. VCF-style: chr11-108271108-G-C. GRCh37 (hg19) VCF-style: chr11-108141835-G-C.
Other names: c.2883G>C, p.Leu961Phe (NM_001351834.2); short protein forms L961F.
Identifiers: ClinVar variation 4170479 (VCV004170479.2).